The following is an entry in ClinVar:

ClinVar aggregate classification (germline): Uncertain significance. Review status: criteria provided, multiple submitters, no conflicts (2 of 4 stars). 2 submissions from 2 submitters: Uncertain significance (2). Last evaluated 2024-01-23.

Allele frequency attached by ClinVar (database versions not stated): ExAC 0.00001; gnomAD 0.00001; gnomAD exomes 0.00002.
gnomAD v4.1: 23 of 1,614,046 alleles (0.0014%); highest among the groups gnomAD compares: South Asian, 0.0033%; no homozygotes.

Submissions (2):

Labcorp Genetics (formerly Invitae), Labcorp
Classification: Uncertain significance. Last evaluated: 2024-01-23. Review status: criteria provided, single submitter. Criteria: Invitae Variant Classification Sherloc (09022015). Collection method: clinical testing. Allele origin: germline.
Comment: This sequence change replaces alanine, which is neutral and non-polar, with valine, which is neutral and non-polar, at codon 3550 of the HSPG2 protein (p.Ala3550Val). This variant is present in population databases (rs777977385, gnomAD 0.006%). This variant has not been reported in the literature in individuals affected with HSPG2-related conditions. ClinVar contains an entry for this variant (Variation ID: 2432549). An algorithm developed to predict the effect of missense changes on protein structure and function (PolyPhen-2) suggests that this variant is likely to be disruptive. In summary, the available evidence is currently insufficient to determine the role of this variant in disease. Therefore, it has been classified as a Variant of Uncertain Significance.

Revvity Omics, Revvity
Classification: Uncertain significance. Last evaluated: 2019-06-19. Review status: criteria provided, single submitter. Criteria: ACMG Guidelines, 2015. Collection method: clinical testing. Allele origin: germline.

NM_005529.7(HSPG2):c.10649C>T (p.Ala3550Val)

Gene: HSPG2 (heparan sulfate proteoglycan 2; minus strand). Cytogenetic location: 1p36.12.
Variant type: single nucleotide variant.
Coding change: c.10649C>T on transcript NM_005529.7 (MANE Select); coding-DNA position 10649, C replaced by T.
Protein change: p.Ala3550Val; replaces alanine 3550 with valine.
Molecular consequence: missense variant.
Genome position (GRCh38, 1-based): chr1:21,834,750, G>A on the plus strand (C>T on the coding strand, the complement: HSPG2 is on the minus strand). VCF-style: chr1-21834750-G-A. GRCh37 (hg19) VCF-style: chr1-22161243-G-A.
Other names: c.10652C>T, p.Ala3551Val (NM_001291860.2); short protein forms A3550V, A3551V.
Identifiers: ClinVar variation 2432549 (VCV002432549.6), dbSNP rs777977385, ClinGen allele CA670059.